The following is an entry in ClinVar:

NM_001080472.4(FITM2):c.538C>T (p.Arg180Ter)

Gene: FITM2 (fat storage inducing transmembrane protein 2; minus strand). Cytogenetic location: 20q13.12.
Variant type: single nucleotide variant.
Coding change: c.538C>T on transcript NM_001080472.4 (MANE Select); coding-DNA position 538, C replaced by T.
Protein change: p.Arg180Ter; replaces arginine 180 with a stop codon.
Molecular consequence: nonsense.
Genome position (GRCh38, 1-based): chr20:44,306,876, G>A on the plus strand (C>T on the coding strand, the complement: FITM2 is on the minus strand). VCF-style: chr20-44306876-G-A. GRCh37 (hg19) VCF-style: chr20-42935516-G-A.
Other names: short protein forms R180*.
Identifiers: ClinVar variation 3345997 (VCV003345997.2).

ClinVar aggregate classification (germline): Likely pathogenic (1 of 4 stars; one submission).

Conditions:
FITM2-related disorder. Also called: FITM2-related condition.

Submission:

PreventionGenetics, part of Exact Sciences
Classification: Likely pathogenic for FITM2-related condition. Last evaluated: 2024-10-02. Review status: criteria provided, single submitter. Criteria: ACMG Guidelines, 2015. Collection method: clinical testing. Allele origin: germline.
Comment: The FITM2 c.538C>T variant is predicted to result in premature protein termination (p.Arg180*). To our knowledge, this variant has not been reported in the literature or in a large population database, indicating this variant is rare. Nonsense variants in FITM2 are expected to be pathogenic. This variant is interpreted as likely pathogenic.